The following is an entry in ClinVar:

NM_024989.4(PGAP1):c.749G>C (p.Arg250Pro)

Gene: PGAP1 (post-GPI attachment to proteins inositol deacylase 1; minus strand). Cytogenetic location: 2q33.1.
Variant type: single nucleotide variant.
Coding change: c.749G>C on transcript NM_024989.4 (MANE Select); coding-DNA position 749, G replaced by C.
Protein change: p.Arg250Pro; replaces arginine 250 with proline.
Molecular consequence: missense variant. On other transcripts: 5 prime UTR variant (1).
Genome position (GRCh38, 1-based): chr2:196,902,643, C>G on the plus strand (G>C on the coding strand, the complement: PGAP1 is on the minus strand). VCF-style: chr2-196902643-C-G. GRCh37 (hg19) VCF-style: chr2-197767367-C-G.
Other names: c.227G>C, p.Arg76Pro (NM_001321099.2); c.-363G>C (NM_001321100.2); short protein forms R250P, R76P.
Identifiers: ClinVar variation 1994822 (VCV001994822.4), dbSNP rs764146325, ClinGen allele CA350177737.

ClinVar aggregate classification (germline): Uncertain significance (1 of 4 stars; one submission).

Conditions:
Intellectual disability, autosomal recessive 42 (NEDDSBA). Also called: GLYCOSYLPHOSPHATIDYLINOSITOL BIOSYNTHESIS DEFECT 9; Neurodevelopmental disorder with dysmorphic features, spasticity, and brain abnormalities. Identifiers: Orphanet 88616, MedGen C4014343, MONDO:0014348, OMIM 615802.

Submission:

Labcorp Genetics (formerly Invitae), Labcorp
Classification: Uncertain significance for Intellectual disability, autosomal recessive 42. Last evaluated: 2022-05-23. Review status: criteria provided, single submitter. Criteria: Invitae Variant Classification Sherloc (09022015). Collection method: clinical testing. Allele origin: germline.
Comment: This sequence change replaces arginine, which is basic and polar, with proline, which is neutral and non-polar, at codon 250 of the PGAP1 protein (p.Arg250Pro). This variant is not present in population databases (gnomAD no frequency). In summary, the available evidence is currently insufficient to determine the role of this variant in disease. Therefore, it has been classified as a Variant of Uncertain Significance. Algorithms developed to predict the effect of missense changes on protein structure and function are either unavailable or do not agree on the potential impact of this missense change (SIFT: "Tolerated"; PolyPhen-2: "Probably Damaging"; Align-GVGD: "Class C0"). This variant has not been reported in the literature in individuals affected with PGAP1-related conditions.